The following is an entry in ClinVar:

NM_032193.4(RNASEH2C):c.175C>G (p.Leu59Val)

Gene: RNASEH2C (ribonuclease H2 subunit C; minus strand). Cytogenetic location: 11q13.1.
Variant type: single nucleotide variant.
Coding change: c.175C>G on transcript NM_032193.4 (MANE Select); coding-DNA position 175, C replaced by G.
Protein change: p.Leu59Val; replaces leucine 59 with valine.
Molecular consequence: missense variant.
Genome position (GRCh38, 1-based): chr11:65,720,415, G>C on the plus strand (C>G on the coding strand, the complement: RNASEH2C is on the minus strand). VCF-style: chr11-65720415-G-C. GRCh37 (hg19) VCF-style: chr11-65487886-G-C.
Other names: short protein forms L59V.
Identifiers: ClinVar variation 1980021 (VCV001980021.1), dbSNP rs764887792, ClinGen allele CA381299069.

ClinVar aggregate classification (germline): Uncertain significance (1 of 4 stars; one submission).

Conditions:
Aicardi-Goutieres syndrome 3. Identifiers: Orphanet 51, MedGen C1835916, MONDO:0012471, OMIM 610329.

gnomAD v4.1: 1 of 1,613,782 alleles (0.000062%); highest among the groups gnomAD compares: African/African-American, 0.0013%; no homozygotes.

Submission:

Labcorp Genetics (formerly Invitae), Labcorp
Classification: Uncertain significance for Aicardi-Goutieres syndrome 3. Last evaluated: 2022-03-18. Review status: criteria provided, single submitter. Criteria: Invitae Variant Classification Sherloc (09022015). Collection method: clinical testing. Allele origin: germline.
Comment: This sequence change replaces leucine, which is neutral and non-polar, with valine, which is neutral and non-polar, at codon 59 of the RNASEH2C protein (p.Leu59Val). This variant is not present in population databases (gnomAD no frequency). This variant has not been reported in the literature in individuals affected with RNASEH2C-related conditions. Algorithms developed to predict the effect of missense changes on protein structure and function are either unavailable or do not agree on the potential impact of this missense change (SIFT: "Tolerated"; PolyPhen-2: "Possibly Damaging"; Align-GVGD: "Class C0"). In summary, the available evidence is currently insufficient to determine the role of this variant in disease. Therefore, it has been classified as a Variant of Uncertain Significance.